The following is an entry in ClinVar:

NM_005918.4(MDH2):c.446C>T (p.Pro149Leu)

Gene: MDH2 (malate dehydrogenase 2; plus strand). Cytogenetic location: 7q11.23.
Variant type: single nucleotide variant.
Coding change: c.446C>T on transcript NM_005918.4 (MANE Select); coding-DNA position 446, C replaced by T.
Protein change: p.Pro149Leu; replaces proline 149 with leucine.
Molecular consequence: missense variant. On other transcripts: intron variant (1).
Genome position (GRCh38, 1-based): chr7:76,060,389, C>T. VCF-style: chr7-76060389-C-T. GRCh37 (hg19) VCF-style: chr7-75689707-C-T.
Other names: c.125C>T, p.Pro42Leu (NM_001282404.2); c.429+2311C>T (NM_001282403.2); short protein forms P149L, P42L.
Identifiers: ClinVar variation 2562831 (VCV002562831.2), dbSNP rs2535863737, ClinGen allele CA367764766.

ClinVar aggregate classification (germline): Uncertain significance (1 of 4 stars; one submission).

Conditions:
Inborn genetic diseases. Identifiers: MedGen C0950123, MeSH D030342.

Submission:

Ambry Genetics
Classification: Uncertain significance for Inborn genetic diseases. Last evaluated: 2023-04-11. Review status: criteria provided, single submitter. Criteria: Ambry Variant Classification Scheme 2023. Collection method: clinical testing. Allele origin: germline.
Comment: The p.P149L variant (also known as c.446C>T), located in coding exon 5 of the MDH2 gene, results from a C to T substitution at nucleotide position 446. The proline at codon 149 is replaced by leucine, an amino acid with similar properties. This amino acid position is conserved. In addition, the in silico prediction for this alteration is inconclusive. Since supporting evidence is limited at this time, the clinical significance of this alteration remains unclear.